The following is an entry in ClinVar:

NM_004415.4(DSP):c.7168A>G (p.Ile2390Val)

Gene: DSP (desmoplakin; plus strand). Cytogenetic location: 6p24.3.
Variant type: single nucleotide variant.
Coding change: c.7168A>G on transcript NM_004415.4 (MANE Select); coding-DNA position 7168, A replaced by G.
Protein change: p.Ile2390Val; replaces isoleucine 2390 with valine.
Molecular consequence: missense variant.
Genome position (GRCh38, 1-based): chr6:7,584,430, A>G. VCF-style: chr6-7584430-A-G. GRCh37 (hg19) VCF-style: chr6-7584663-A-G.
Other names: c.5371A>G, p.Ile1791Val (NM_001008844.3); c.5839A>G, p.Ile1947Val (NM_001319034.2); short protein forms I1791V, I1947V, I2390V.
Identifiers: ClinVar variation 3773782 (VCV003773782.2).

ClinVar aggregate classification (germline): Uncertain significance. Review status: criteria provided, multiple submitters, no conflicts (2 of 4 stars). 2 submissions from 2 submitters: Uncertain significance (2). Last evaluated 2025-03-09.

Conditions:
Arrhythmogenic right ventricular cardiomyopathy (ARVD). Also called: Arrhythmogenic right ventricular dysplasia; Cardiomyopathy, ARVC; Arrhythmogenic cardiomyopathy; Arrhythmogenic Right Ventricular Cardiomyopathy (ARVC). Identifiers: Orphanet 247, MedGen C0349788, MeSH D019571, MONDO:0016587. Disease mechanism: loss of function. Inheritance: Various modes of inheritance.
Arrhythmogenic cardiomyopathy with wooly hair and keratoderma. Also called: PALMOPLANTAR KERATODERMA WITH LEFT VENTRICULAR CARDIOMYOPATHY AND WOOLLY HAIR; Carvajal syndrome; Dilated cardiomyopathy with woolly hair and keratoderma; Arrhythmogenic cardiomyopathy with woolly hair and keratoderma. Identifiers: Orphanet 65282, MedGen C1854063, MONDO:0011581, OMIM 605676.
Arrhythmogenic right ventricular dysplasia 8 (ARVD8). Also called: ARRHYTHMOGENIC RIGHT VENTRICULAR DYSPLASIA, FAMILIAL, 8; ARRHYTHMOGENIC RIGHT VENTRICULAR CARDIOMYOPATHY 8; Arrhythmogenic Right Ventricular Dysplasia/Cardiomyopathy 8. Identifiers: MedGen C1843896, MONDO:0011831, OMIM 607450.

gnomAD v4.1: 9 of 1,614,102 alleles (0.00056%); highest among the groups gnomAD compares: Non-Finnish European, 0.00076%; no homozygotes.

Submissions (2):

Labcorp Genetics (formerly Invitae), Labcorp
Classification: Uncertain significance for Arrhythmogenic cardiomyopathy with wooly hair and keratoderma; Arrhythmogenic right ventricular dysplasia 8. Last evaluated: 2025-03-09. Review status: criteria provided, single submitter. Criteria: Invitae Variant Classification Sherloc (09022015). Collection method: clinical testing. Allele origin: germline.
Comment: This sequence change replaces isoleucine, which is neutral and non-polar, with valine, which is neutral and non-polar, at codon 2390 of the DSP protein (p.Ile2390Val). This variant is not present in population databases (gnomAD no frequency). This variant has not been reported in the literature in individuals affected with DSP-related conditions. An algorithm developed to predict the effect of missense changes on protein structure and function (PolyPhen-2) suggests that this variant is likely to be tolerated. In summary, the available evidence is currently insufficient to determine the role of this variant in disease. Therefore, it has been classified as a Variant of Uncertain Significance.

Molecular Genetics, Royal Melbourne Hospital
Classification: Uncertain significance for Arrhythmogenic right ventricular cardiomyopathy. Last evaluated: 2024-10-03. Review status: criteria provided, single submitter. Criteria: ACMG Guidelines, 2015. Collection method: clinical testing. Allele origin: germline. Inheritance: Autosomal dominant inheritance.